The following is an entry in ClinVar:

NM_006996.3(SLC19A2):c.759dup (p.Glu254Ter)

Gene: SLC19A2 (solute carrier family 19 member 2; minus strand). Cytogenetic location: 1q24.2.
Variant type: Duplication.
Coding change: c.759dup on transcript NM_006996.3 (MANE Select); coding-DNA position 759, one base duplicated (T; older notation c.759dupT).
Protein change: p.Glu254Ter; replaces glutamic acid 254 with a stop codon.
Molecular consequence: nonsense. On other transcripts: intron variant (1).
Genome position (GRCh38, 1-based): chr1:169,477,203, A duplicated on the plus strand (T on the coding strand, the reverse complement: SLC19A2 is on the minus strand); the first of 2 consecutive A bases (chr1:169,477,203-169,477,204); duplicating either gives the same sequence. VCF-style (leftmost placement, unchanged base first): chr1-169477202-C-CA. GRCh37 (hg19) VCF-style: chr1-169446440-C-CA.
Other names: c.205-7017dup (NM_001319667.1); short protein forms E254*.
Identifiers: ClinVar variation 2734017 (VCV002734017.4), dbSNP rs1368720035, ClinGen allele CA527131009.

ClinVar aggregate classification (germline): Pathogenic. Review status: criteria provided, multiple submitters, no conflicts (2 of 4 stars). 2 submissions from 2 submitters: Pathogenic (2). Last evaluated 2025-03-18.

Conditions:
Megaloblastic anemia, thiamine-responsive, with diabetes mellitus and sensorineural deafness (TRMA). Also called: THIAMINE METABOLISM DYSFUNCTION SYNDROME 1 (MEGALOBLASTIC ANEMIA, DIABETES MELLITUS, AND DEAFNESS TYPE); ROGERS SYNDROME; THIAMINE-RESPONSIVE ANEMIA SYNDROME; THIAMINE-RESPONSIVE MYELODYSPLASIA; Thiamine-Responsive Megaloblastic Anemia Syndrome. Identifiers: Orphanet 49827, MedGen C0342287, MONDO:0009575, OMIM 249270.

Submissions (2):

Labcorp Genetics (formerly Invitae), Labcorp
Classification: Pathogenic. Last evaluated: 2025-03-18. Review status: criteria provided, single submitter. Criteria: Invitae Variant Classification Sherloc (09022015). Collection method: clinical testing. Allele origin: germline.
Comment: This sequence change creates a premature translational stop signal (p.Glu254*) in the SLC19A2 gene. It is expected to result in an absent or disrupted protein product. Loss-of-function variants in SLC19A2 are known to be pathogenic (PMID: 10391221, 10391223, 10874303). This variant is present in population databases (no rsID available, gnomAD 0.003%). This premature translational stop signal has been observed in individual(s) with clinical features of thiamine-responsive megaloblastic anemia (PMID: 19643445, 23771172). ClinVar contains an entry for this variant (Variation ID: 2734017). For these reasons, this variant has been classified as Pathogenic.

Fulgent Genetics
Classification: Pathogenic for Megaloblastic anemia, thiamine-responsive, with diabetes mellitus and sensorineural deafness. Last evaluated: 2024-01-10. Review status: criteria provided, single submitter. Criteria: ACMG Guidelines, 2015. Collection method: clinical testing. Allele origin: germline.

Literature cited by the submitters: PubMed 10391221 (cited by Labcorp Genetics (formerly Invitae), Labcorp); PubMed 10391223 (cited by Labcorp Genetics (formerly Invitae), Labcorp); PubMed 10874303 (cited by Labcorp Genetics (formerly Invitae), Labcorp); PubMed 19643445 (cited by Labcorp Genetics (formerly Invitae), Labcorp); PubMed 23771172 (cited by Labcorp Genetics (formerly Invitae), Labcorp).